The following is an entry in ClinVar:

ClinVar aggregate classification (germline): Likely pathogenic. Review status: criteria provided, single submitter (1 of 4 stars). 3 submissions from 3 submitters: Likely pathogenic (1). 2 of the submissions do not count toward it. Last evaluated 2025-07-10.

Conditions:
TERC-related disorder. Also called: TERC-related condition.
Pulmonary fibrosis and/or bone marrow failure, Telomere-related, 2. Also called: PULMONARY FIBROSIS AND/OR BONE MARROW FAILURE SYNDROME, TELOMERE-RELATED, 2. Identifiers: Orphanet 88, MedGen C3553622, MONDO:0013879, OMIM 614743.
Dyskeratosis congenita, autosomal dominant 1 (DKCA1). Also called: Dyskeratosis congenita Scoggins type. Identifiers: Orphanet 1775, MedGen C4551974, MONDO:0007485, OMIM 127550. Inheritance: Variable.

Submissions (3):

PreventionGenetics, part of Exact Sciences
Classification: Likely pathogenic for TERC-related condition. Last evaluated: 2025-07-10. Review status: criteria provided, single submitter. Criteria: ACMG Guidelines, 2015. Collection method: clinical testing. Allele origin: germline.
Comment: The TERC n.143G>A is a noncoding alteration. This variant has been reported in individuals with dyskeratosis congenita or unspecified telomere biology disorder (Vulliamy et al. 2004. PubMed ID: 15098033; Table S2, Maillet et al. 2024. PubMed ID: 39279213). Functional studies using 293T cells indicate that this variant reduces catalytic activity of the telomerase holoenzyme (Robart et al. 2009. PubMed ID: 20022961). This variant has not been reported in a large population database (gnomAD), indicating this variant is rare. This variant is interpreted as likely pathogenic.

GeneReviews
Classification: Pathogenic for Dyskeratosis Congenita. Last evaluated: 2012-05-10. Review status: no assertion criteria provided. Collection method: curation. Allele origin: unknown. Not counted in ClinVar's aggregate classification.
ClinVar note: Converted during submission from pathologic to Pathogenic.

OMIM
Classification: Pathogenic for PULMONARY FIBROSIS AND/OR BONE MARROW FAILURE SYNDROME, TELOMERE-RELATED, 2. Last evaluated: 2011-05-26. Review status: no assertion criteria provided. Collection method: literature only. Allele origin: germline. Not counted in ClinVar's aggregate classification.

Literature cited by the submitters: PubMed 21436073 (cited by OMIM).

NR_001566.3(TERC):n.143G>A

Genes: TERC (telomerase RNA component; minus strand), LOC110806306 (telomerase RNA component (TERC) promoter; plus strand). Cytogenetic location: 3q26.2.
Variant type: single nucleotide variant.
Genome position: GRCh38 VCF-style: chr3-169764918-C-T. GRCh37 (hg19) VCF-style: chr3-169482706-C-T.
Other names: NR_001566.1:r.143g>a (G143A); 143G-A.
Identifiers: ClinVar variation 39282 (VCV000039282.13), dbSNP rs199422274, ClinGen allele CA343754.
Genomic context (GRCh38, chr3:169,764,918, plus strand): 5'-GAGGGGCGAACGGGCCAGCAGCTGACATTTTTTGTTTGCTCTAGAATGAACGGTGGAAGG[C>T]GGCAGGCCGAGGCTTTTCCGCCCGCTGAAAGTCAGCGAGAAAAACAGCGCGCGGGGAGCA-3'